The following is an entry in ClinVar:

NM_001128922.2(LRRC32):c.29C>A (p.Ala10Asp)

Gene: LRRC32 (leucine rich repeat containing 32; minus strand). Cytogenetic location: 11q13.5.
Variant type: single nucleotide variant.
Coding change: c.29C>A on transcript NM_001128922.2 (MANE Select); coding-DNA position 29, C replaced by A.
Protein change: p.Ala10Asp; replaces alanine 10 with aspartic acid.
Molecular consequence: missense variant. On other transcripts: non-coding transcript variant (1), intron variant (1), 5 prime UTR variant (1).
Genome position (GRCh38, 1-based): chr11:76,665,926, G>T on the plus strand (C>A on the coding strand, the complement: LRRC32 is on the minus strand). VCF-style: chr11-76665926-G-T. GRCh37 (hg19) VCF-style: chr11-76376970-G-T.
Other names: c.29C>A, p.Ala10Asp (NM_001370191.1, NM_005512.3, NM_001370187.1 and 1 more transcripts); c.-246-4418C>A (NM_001370190.1); c.-61C>A (NM_001370189.1); short protein forms A10D.
Identifiers: ClinVar variation 3120554 (VCV003120554.2), dbSNP rs147425808, ClinGen allele CA6194962.

ClinVar aggregate classification (germline): Uncertain significance. Review status: criteria provided, multiple submitters, no conflicts (2 of 4 stars). 2 submissions from 2 submitters: Uncertain significance (2). Last evaluated 2026-06-15.

Conditions:
LRRC32-related disorder. Also called: LRRC32-related condition.

Allele frequency attached by ClinVar (database versions not stated): gnomAD exomes 0.00001; ExAC 0.00004; gnomAD 0.00011; TOPMed 0.00014; ESP Exome Variant Server 0.00015; 1000 Genomes Project 30x 0.00016; 1000 Genomes Project 0.00020.
gnomAD v4.1: 28 of 1,614,082 alleles (0.0017%); highest among the groups gnomAD compares: African/African-American, 0.027%; no homozygotes.

Submissions (2):

PreventionGenetics, part of Exact Sciences
Classification: Uncertain significance for LRRC32-related condition. Last evaluated: 2026-06-15. Review status: criteria provided, single submitter. Criteria: ACMG Guidelines, 2015. Collection method: clinical testing. Allele origin: germline.
Comment: The LRRC32 c.29C>A variant is predicted to result in the amino acid substitution p.Ala10Asp. To our knowledge, this variant has not been reported in the literature. This variant is reported in 0.024% of alleles in individuals of African descent in gnomAD. At this time, the clinical significance of this variant is uncertain due to the absence of conclusive functional and genetic evidence.

Ambry Genetics
Classification: Uncertain significance. Last evaluated: 2024-01-22. Review status: criteria provided, single submitter. Criteria: Ambry Variant Classification Scheme 2023. Collection method: clinical testing. Allele origin: germline.